The following is an entry in ClinVar:

ClinVar aggregate classification (germline): Uncertain significance. Review status: criteria provided, multiple submitters, no conflicts (2 of 4 stars). 3 submissions from 3 submitters: Uncertain significance (3). Last evaluated 2024-04-30.

Conditions:
Hereditary cancer. Identifiers: MedGen C1333600.
Hereditary cancer-predisposing syndrome. Also called: Hereditary neoplastic syndrome; Neoplastic Syndromes, Hereditary; Tumor predisposition; Hereditary Cancer Syndrome. Identifiers: Orphanet 140162, MedGen C0027672, MeSH D009386, MONDO:0015356.
Hereditary diffuse gastric adenocarcinoma (HDGC). Also called: DIFFUSE GASTRIC AND LOBULAR BREAST CANCER SYNDROME. Identifiers: Orphanet 26106, MedGen C1708349, MONDO:0007648, OMIM 137215.

Submissions (3):

Labcorp Genetics (formerly Invitae), Labcorp
Classification: Uncertain significance for Hereditary diffuse gastric adenocarcinoma. Last evaluated: 2024-04-30. Review status: criteria provided, single submitter. Criteria: Invitae Variant Classification Sherloc (09022015). Collection method: clinical testing. Allele origin: germline.
Comment: This sequence change replaces serine, which is neutral and polar, with proline, which is neutral and non-polar, at codon 840 of the CDH1 protein (p.Ser840Pro). This variant is not present in population databases (gnomAD no frequency). This variant has not been reported in the literature in individuals affected with CDH1-related conditions. ClinVar contains an entry for this variant (Variation ID: 463767). An algorithm developed to predict the effect of missense changes on protein structure and function (PolyPhen-2) suggests that this variant is likely to be disruptive. In summary, the available evidence is currently insufficient to determine the role of this variant in disease. Therefore, it has been classified as a Variant of Uncertain Significance.

Mendelics
Classification: Uncertain significance for Hereditary cancer. Last evaluated: 2024-01-23. Review status: criteria provided, single submitter. Criteria: ACMG Guidelines, 2015. Collection method: clinical testing. Allele origin: unknown.

Color Diagnostics, LLC DBA Color Health
Classification: Uncertain significance for Hereditary cancer-predisposing syndrome. Last evaluated: 2023-12-05. Review status: criteria provided, single submitter. Criteria: ACMG Guidelines, 2015. Collection method: clinical testing. Allele origin: germline.
Comment: This missense variant replaces serine with proline at codon 840 of the CDH1 protein. To our knowledge, functional studies have not been reported for this variant. This variant has not been reported in individuals affected with CDH1-related disorders in the literature. This variant has not been identified in the general population by the Genome Aggregation Database (gnomAD). The available evidence is insufficient to determine the role of this variant in disease conclusively. Therefore, this variant is classified as a Variant of Uncertain Significance.

NM_004360.5(CDH1):c.2518T>C (p.Ser840Pro)

Gene: CDH1 (cadherin 1; plus strand). Cytogenetic location: 16q22.1.
Variant type: single nucleotide variant.
Coding change: c.2518T>C on transcript NM_004360.5 (MANE Select); coding-DNA position 2518, T replaced by C.
Protein change: p.Ser840Pro; replaces serine 840 with proline.
Molecular consequence: missense variant.
Genome position (GRCh38, 1-based): chr16:68,833,368, T>C. VCF-style: chr16-68833368-T-C. GRCh37 (hg19) VCF-style: chr16-68867271-T-C.
Other names: c.2518T>C (LRG_301t1); c.2335T>C, p.Ser779Pro (NM_001317184.2); c.970T>C, p.Ser324Pro (NM_001317185.2); c.553T>C, p.Ser185Pro (NM_001317186.2); short protein forms S840P, S779P, S185P, S324P.
Identifiers: ClinVar variation 463767 (VCV000463767.11), dbSNP rs1555518243, ClinGen allele CA396472282.